The following is an entry in ClinVar:

ClinVar aggregate classification (germline): Pathogenic (1 of 4 stars; one submission).

Submission:

GeneDx
Classification: Pathogenic. Last evaluated: 2015-04-15. Review status: criteria provided, single submitter. Criteria: GeneDx Variant Classification (06012015). Collection method: clinical testing. Allele origin: germline. Affected: yes.
Comment: The c.766dupA duplication in the SGCE gene has not been reported previously as a pathogenic variantnor as a benign polymorphism, to our knowledge. The c.766dupA duplication causes a frameshiftstarting with codon Isoleucine 256, changes this amino acid to a Asparagine residue and creates a premature Stop codon at position 4 of the new reading frame, denoted p.Ile256AsnfsX4. This variant is predicted tocause loss of normal protein function either through protein truncation or nonsense-mediated mRNAdecay. The c.766dupA variant was not observed in approximately 6,500 individuals of European andAfrican American ancestry in the NHLBI Exome Sequencing Project, indicating it is not a common benignvariant in these populations. Therefore, we interpret c.766dupA as a pathogenic variant.

NM_003919.3(SGCE):c.766dup (p.Ile256fs)

Genes: CASD1 (CAS1 domain containing 1; plus strand), SGCE (sarcoglycan epsilon; minus strand). Cytogenetic location: 7q21.3.
Variant type: Duplication.
Coding change: c.766dup on transcript NM_003919.3 (MANE Select); coding-DNA position 766, one base duplicated (A; older notation c.766dupA).
Protein change: p.Ile256fs; shifts the reading frame from isoleucine 256.
Molecular consequence: frameshift variant.
Genome position (GRCh38, 1-based): chr7:94,603,349, T duplicated on the plus strand (A on the coding strand, the reverse complement: SGCE is on the minus strand); the first of 2 consecutive T bases (chr7:94,603,349-94,603,350); duplicating either gives the same sequence. VCF-style (leftmost placement, unchanged base first): chr7-94603348-A-AT. GRCh37 (hg19) VCF-style: chr7-94232660-A-AT.
Other names: c.766dup, p.Ile256fs (NM_001099400.2, NM_001099401.2, NM_001346717.2); c.643dup, p.Ile215fs (NM_001301139.2, NM_001362809.2); c.874dup, p.Ile292fs (NM_001346713.2, NM_001346715.2); c.679dup, p.Ile227fs (NM_001346719.2, NM_001362807.2); c.493dup, p.Ile165fs (NM_001346720.2, NM_001362808.2); short protein forms I165fs, I256fs, I227fs, I215fs, I292fs.
Identifiers: ClinVar variation 418867 (VCV000418867.2), dbSNP rs1554345124, ClinGen allele CA16618578.